The following is an entry in ClinVar:

NM_000155.4(GALT):c.514G>T (p.Glu172Ter)

Gene: GALT (galactose-1-phosphate uridylyltransferase; plus strand). Cytogenetic location: 9p13.3.
Variant type: single nucleotide variant.
Coding change: c.514G>T on transcript NM_000155.4 (MANE Select); coding-DNA position 514, G replaced by T.
Protein change: p.Glu172Ter; replaces glutamic acid 172 with a stop codon.
Molecular consequence: nonsense.
Genome position (GRCh38, 1-based): chr9:34,648,121, G>T. VCF-style: chr9-34648121-G-T. GRCh37 (hg19) VCF-style: chr9-34648118-G-T.
Other names: c.187G>T, p.Glu63Ter (NM_001258332.2); short protein forms E172*, E63*.
Identifiers: ClinVar variation 983982 (VCV000983982.3), dbSNP rs780156428, ClinGen allele CA373281350.
Genomic context (GRCh38, chr9:34,648,121, plus strand): 5'-GGGAGTTGACTTGGTGTCTTTTGGCTAACAGAGCTCCGTATCCCTATCTGATAGATCTTT[G>T]AAAACAAAGGTGCCATGATGGGCTGTTCTAACCCCCACCCCCACTGCCAGGTAAGGGTGT-3'

ClinVar aggregate classification (germline): Likely pathogenic (1 of 4 stars; one submission).

Conditions:
Deficiency of UDPglucose-hexose-1-phosphate uridylyltransferase. Also called: GALACTOSEMIA I; GALACTOSE-1-PHOSPHATE URIDYLYLTRANSFERASE DEFICIENCY; GALT deficiency; Galactosemia, classic; Transferase Deficiency Galactosemia. Identifiers: Orphanet 352, Orphanet 79239, MedGen C0268151, MONDO:0009258, OMIM 230400.

Submission:

Myriad Genetics, Inc.
Classification: Likely pathogenic for Deficiency of UDPglucose-hexose-1-phosphate uridylyltransferase. Last evaluated: 2019-10-11. Review status: criteria provided, single submitter. Criteria: Myriad Women's Health Autosomal Recessive and X-Linked Classification Criteria (2019). Collection method: clinical testing. Allele origin: unknown.
Comment: NM_000155.3(GALT):c.514G>T(E172*) is expected to be pathogenic in the context of galactosemia. This variant is predicted to lead to an abnormal or absent protein product due to the creation of a premature termination codon in GALT, a gene where loss-of-function variants are known to be pathogenic. Please note: this variant was assessed in the context of healthy population screening.